The following is an entry in ClinVar:

NM_005219.5(DIAPH1):c.1901C>T (p.Pro634Leu)

Gene: DIAPH1 (diaphanous related formin 1; minus strand). Cytogenetic location: 5q31.3.
Variant type: single nucleotide variant.
Coding change: c.1901C>T on transcript NM_005219.5 (MANE Select); coding-DNA position 1901, C replaced by T.
Protein change: p.Pro634Leu; replaces proline 634 with leucine.
Molecular consequence: missense variant.
Genome position (GRCh38, 1-based): chr5:141,573,949, G>A on the plus strand (C>T on the coding strand, the complement: DIAPH1 is on the minus strand). VCF-style: chr5-141573949-G-A. GRCh37 (hg19) VCF-style: chr5-140953516-G-A.
Other names: c.1874C>T, p.Pro625Leu (NM_001079812.3); c.1901C>T, p.Pro634Leu (NM_001314007.2); short protein forms P625L, P634L.
Identifiers: ClinVar variation 2629637 (VCV002629637.1), dbSNP rs1490207695, ClinGen allele CA361520160.
Genomic context (GRCh38, chr5:141,573,949, plus strand): 5'-GGTGGAGGGATGGTAGCATCCCCAGACAAAGGAGGGGGTGGAGAGATAGCAGTACCTCCA[G>A]GTAAAGAAGGGGGTGAGGAGATGCAAACACCCCCAGGCAAAGGAGGTGGAGGAGGAGGAG-3'
Protein context (NP_005210.3, residues 624-644): GVCISSPPSL[Pro634Leu]GGTAISPPPP

ClinVar aggregate classification (germline): Uncertain significance (1 of 4 stars; one submission).

Conditions:
DIAPH1-related disorder. Also called: DIAPH1-related condition.

Allele frequency attached by ClinVar (database versions not stated): gnomAD exomes 0.00001.
gnomAD v4.1: 5 of 1,551,578 alleles (0.00032%); highest among the groups gnomAD compares: Non-Finnish European, 0.00044%; no homozygotes.

Submission:

PreventionGenetics, part of Exact Sciences
Classification: Uncertain significance for DIAPH1-related condition. Last evaluated: 2022-12-28. Review status: criteria provided, single submitter. Criteria: ACMG Guidelines, 2015. Collection method: clinical testing. Allele origin: germline.
Comment: The DIAPH1 c.1901C>T variant is predicted to result in the amino acid substitution p.Pro634Leu. To our knowledge, this variant has not been reported in the literature. This variant is reported in 0.0032% of alleles in individuals of European (Non-Finnish) descent in gnomAD. At this time, the clinical significance of this variant is uncertain due to the absence of conclusive functional and genetic evidence.